The following continues an entry in ClinVar:

NM_000051.4(ATM):c.7638_7646del (p.Arg2547_Ser2549del)

ClinVar aggregate classification (germline): Pathogenic/Likely pathogenic. Pathogenic (22); Likely pathogenic (3).

Submissions 10 to 28 of 32:

Ambry Genetics
Classification: Pathogenic for Hereditary cancer-predisposing syndrome. Last evaluated: 2024-08-08. Review status: criteria provided, single submitter. Criteria: Ambry Variant Classification Scheme 2023. Collection method: clinical testing. Allele origin: germline.
Comment: The c.7638_7646delTAGAATTTC pathogenic mutation (also known as p.R2547_S2549del), located in coding exon 51 of the ATM gene, results from an in-frame deletion of 9 nucleotides between positions 7638 and 7646. This results in the deletion of 3 amino acids between codons 2547 and 2549. This pathogenic mutation has been reported in individuals diagnosed with breast cancer, some of whom also had family histories of other cancers (Vorechovsky I et al. Cancer Res. 1996 Sep;56:4130-3; Goldgar DE et al. Breast Cancer Res. 2011 Jul;13:R73). In addition, this mutation has been reported in a homozygous state and in conjunction with other deleterious ATM mutations in multiple individuals and/or families with ataxia-telagiectasia (Gilad S et al. Hum. Mol. Genet. 1996 Apr;5:433-9; Wright J et al. Am. J. Hum. Genet. 1996 Oct;59:839-46; Watters D et al. Oncogene. 1997 Apr;14:1911-21; Telatar M et al. Am. J. Hum. Genet. 1998 Jan;62:86-97; Stankovic T et al. Am. J. Hum. Genet. 1998 Feb;62:334-45; Li A and Swift M. Am. J. Med. Genet. 2000 May;92:170-7; Buzin C et al. Hum. Mutat. 2003 Feb;21:123-31). Further, functional analysis has shown that this mutation results in intact ATM protein expression but no kinase activity (Stewart GS et al. J. Biol. Chem. 2001 Aug;276:30133-41). Of note, this alteration is also designated as 7636del9, 2546delSRI, 7638del9 and 7638_7646del9 in published literature. Based on the available evidence, this alteration is interpreted as a disease-causing mutation.

Baylor Genetics
Classification: Pathogenic for Familial cancer of breast. Last evaluated: 2024-03-23. Review status: criteria provided, single submitter. Criteria: ACMG Guidelines, 2015. Collection method: clinical testing. Allele origin: unknown.

Myriad Genetics, Inc.
Classification: Likely pathogenic for Familial cancer of breast. Last evaluated: 2024-01-31. Review status: criteria provided, single submitter. Criteria: Myriad Autosomal Dominant, Autosomal Recessive and X-Linked Classification Criteria (2023). Collection method: clinical testing. Allele origin: unknown.
Comment: This variant is considered likely pathogenic. This variant has been reported in multiple individuals with clinical features of gene-specific disease [PMID: 10817650]. Functional studies indicate this variant impacts protein function [PMID: 19431188].

Mayo Clinic Laboratories, Mayo Clinic
Classification: Pathogenic. Last evaluated: 2023-12-13. Review status: criteria provided, single submitter. Criteria: ACMG Guidelines, 2015. Collection method: clinical testing. Allele origin: germline. Observed: 1 variant allele.
Comment: PP4, PM2_moderate, PM3_strong, PM4, PS3

GeneDx
Classification: Pathogenic. Last evaluated: 2023-03-07. Review status: criteria provided, single submitter. Criteria: GeneDx Variant Classification Process June 2021. Collection method: clinical testing. Allele origin: germline. Affected: yes.
Comment: Observed in the heterozygous state in individuals with ATM-related cancers (Vorechovsky et al., 1996; Goldgar et al., 2011; Bunnell et al., 2017; Decker et al., 2017; Na et al., 2017; Lu et al., 2019); Published functional studies demonstrate a damaging effect: absence of kinase activity and reduced ATM protein expression (Stewart et al., 2001; Barone et al., 2009; Reiman et al., 2011); In-frame deletion of 3 amino acids in a non-repeat region predicted to critically alter the protein; Not observed at significant frequency in large population cohorts (gnomAD); In silico analysis supports a deleterious effect on protein structure/function; Also known as c.7636del9 and 7638del9; This variant is associated with the following publications: (PMID: 25038946, 12552559, 21787400, 10817650, 19781682, 26556299, 32866655, 29922827, 8789452, 21792198, 9537233, 19431188, 11382771, 22649200, 21933854, 10330348, 8808599, 27276934, 8797579, 8845835, 7792600, 15279808, 12195425, 28779002, 27989354, 30128536, 34308366, 26896183, 31447099, 31948886, 32853339, 32338768, 34308104, 33804961, 23532176, 9150358, 9463314)

AiLife Diagnostics
Classification: Likely pathogenic. Last evaluated: 2021-12-29. Review status: criteria provided, single submitter. Criteria: ACMG Guidelines, 2015. Collection method: clinical testing. Allele origin: germline. Affected: yes. Observed: 1 variant allele.

CHEO Genetics Diagnostic Laboratory, Children's Hospital of Eastern Ontario
Classification: Pathogenic for Breast and/or ovarian cancer. Last evaluated: 2021-12-07. Review status: criteria provided, single submitter. Criteria: ACMG Guidelines, 2015. Collection method: clinical testing. Allele origin: germline.

Genetics and Molecular Pathology, SA Pathology
Classification: Pathogenic for Ataxia-telangiectasia syndrome. Last evaluated: 2021-09-20. Review status: criteria provided, single submitter. Criteria: ACMG Guidelines, 2015. Collection method: clinical testing. Allele origin: germline.

CeGaT Center for Human Genetics Tuebingen
Classification: Pathogenic. Last evaluated: 2021-07-01. Review status: criteria provided, single submitter. Criteria: CeGaT Center For Human Genetics Tuebingen Variant Classification Criteria Version 2. Collection method: clinical testing. Allele origin: germline. Affected: yes. Observed: 1 variant allele.

Sema4
Classification: Pathogenic for Hereditary cancer-predisposing syndrome. Last evaluated: 2021-04-29. Review status: criteria provided, single submitter. Criteria: Sema4 Curation Guidelines. Collection method: curation. Allele origin: germline.
Comment: The ATM c.7638_7646delTAGAATTTC (p.R2547_S2549del) variant has been reported in individuals with ataxia-telangiectasia and breast cancer (PMID: 22649200, 21787400, 11382771, 8797579). This change results in a deletion of three amino acids without altering the integrity of the reading frame. Functional studies demonstrated complete loss of ATM kinase function and impairment of cellular response to ionizing radiation (PMID: 19431188, 11382771). The variant was observed in 7/251148 chromosomes in the large and broad cohorts of the Genome Aggregation Database (PMID: 32461654). The variant has been reported in ClinVar (Variation ID 3019). Based on the current evidence available, this variant is interpreted as pathogenic.

Department of Pediatrics, Memorial Sloan Kettering Cancer Center
Classification: Pathogenic for Familial cancer of breast. Last evaluated: 2020-12-15. Review status: criteria provided, single submitter. Criteria: ACMG Guidelines, 2015. Collection method: research. Allele origin: germline. Affected: no.

Women's Health and Genetics/Laboratory Corporation of America, LabCorp
Classification: Pathogenic for Ataxia-telangiectasia syndrome. Last evaluated: 2017-10-27. Review status: criteria provided, single submitter. Criteria: LabCorp Variant Classification Summary - May 2015. Collection method: clinical testing. Allele origin: germline.
Comment: Variant summary: The ATM c.7638_7646delTAGAATTTC (p.Arg2547_Ser2549del) variant involves the inframe deletion of 9 nucleotides located in the PIK-related kinase domain (IPR014009) (InterPro). One in silico tool predicts a damaging outcome for this variant. Functional studies confirmed that there is no detectable ATM kinase activity associated with this variant and that LCLs with this variant exhibited p53, p21, and MDM2 response that was indistinguishable from classical A-T (Stewart_2001). This variant was found in 5/246251 control chromosomes at a frequency of 0.0000203, which does not exceed the estimated maximal expected allele frequency of a pathogenic ATM variant (0.0039528). This variant was reported in multiple AT patients (Stankovic_1998, Skowronska_2012, Stewart_2001). In addition, multiple clinical diagnostic laboratories/reputable databases classified this variant as pathogenic. Taken together, this variant is classified as pathogenic.

Department of Pathology and Laboratory Medicine, Sinai Health System
Classification: Pathogenic for Familial cancer of breast. Last evaluated: 2017-10-04. Review status: criteria provided, single submitter. Criteria: ACMG Guidelines, 2015. Collection method: clinical testing. Allele origin: germline. Affected: yes.

Human Genome Sequencing Center Clinical Lab, Baylor College of Medicine
Classification: Likely pathogenic for Familial cancer of breast. Last evaluated: 2017-04-03. Review status: criteria provided, single submitter. Criteria: ACMG Guidelines, 2015. Collection method: clinical testing. Allele origin: germline.
Comment: This c.7638_7646del (p.Arg2547_Ser2549del) has previously been reported in compound heterozygous and homozygous patients with ataxia telangiectasia [PMID 8808599]. Functional assays showed that the variant does not affect the level of ATM protein but does reduce the level of kinase activity [PMID 19431188]. A mouse model carrying this deletion has an increase susceptibility to develop tumors [reported as 7636del9 in PMID 12195425]. This variant was further detected in 12 out of 294 families with breast cancer. However, the difference in tumor incidence between carrier and non carrier was not statistically significant. However, this variant was detected in another patient with breast cancer [PMID 8797579]. This c.7638_7646del (p.Arg2547_Ser2549del) variant has not been observed the ExAC population database and has been observed in one individual in our internal database. It is thus interpreted as a likely pathogenic variant.

Eurofins Ntd Llc (ga)
Classification: Pathogenic. Last evaluated: 2016-08-31. Review status: criteria provided, single submitter. Criteria: EGL Classification Definitions 2015. Collection method: clinical testing. Allele origin: germline. Observed: 1 variant allele, 1 heterozygote.

University Health Network, Familial Cancer Clinic, Princess Margaret Cancer Centre
Classification: Pathogenic for ATM-related cancer predisposition. Review status: criteria provided, single submitter. Criteria: ACMG Guidelines, 2015. Collection method: clinical testing. Allele origin: germline. Inheritance: Autosomal dominant inheritance. Affected: yes. Observed: 1 variant allele.

Institute for Biomarker Research, Medical Diagnostic Laboratories, L.L.C.
Classification: Likely pathogenic for Hereditary cancer-predisposing syndrome. Last evaluated: 2022-01-24. Review status: no assertion criteria provided. Collection method: clinical testing. Allele origin: germline. Not counted in ClinVar's aggregate classification.

GeneReviews
Classification: Pathogenic for Ataxia-telangiectasia syndrome. Last evaluated: 2016-10-27. Review status: no assertion criteria provided. Collection method: literature only. Allele origin: germline. Affected: yes. Not counted in ClinVar's aggregate classification.

Counsyl
Classification: Pathogenic for Ataxia-telangiectasia syndrome. Last evaluated: 2016-09-26. Review status: no assertion criteria provided. Collection method: clinical testing. Allele origin: unknown. Not counted in ClinVar's aggregate classification.